The following is an entry in ClinVar:

ClinVar aggregate classification (germline): Uncertain significance. Review status: criteria provided, multiple submitters, no conflicts (2 of 4 stars). 2 submissions from 2 submitters: Uncertain significance (2). Last evaluated 2024-12-02.

Conditions:
Autoinflammatory syndrome. Identifiers: Orphanet 93665, MedGen C3890737, MONDO:0019751.
Pyogenic arthritis-pyoderma gangrenosum-acne syndrome (PAPA). Also called: FAMILIAL RECURRENT ARTHRITIS; PAPA SYNDROME. Identifiers: Orphanet 69126, MedGen C1858361, MONDO:0011462, OMIM 604416.

Submissions (2):

Labcorp Genetics (formerly Invitae), Labcorp
Classification: Uncertain significance for Pyogenic arthritis-pyoderma gangrenosum-acne syndrome. Last evaluated: 2024-12-02. Review status: criteria provided, single submitter. Criteria: Invitae Variant Classification Sherloc (09022015). Collection method: clinical testing. Allele origin: germline.
Comment: This sequence change creates a premature translational stop signal (p.Arg149Glyfs*76) in the PSTPIP1 gene. It is expected to result in an absent or disrupted protein product. However, the current clinical and genetic evidence is not sufficient to establish whether loss-of-function variants in PSTPIP1 cause disease. The frequency data for this variant in the population databases is considered unreliable, as metrics indicate poor data quality at this position in the gnomAD database. This variant has not been reported in the literature in individuals affected with PSTPIP1-related conditions. ClinVar contains an entry for this variant (Variation ID: 656981). In summary, the available evidence is currently insufficient to determine the role of this variant in disease. Therefore, it has been classified as a Variant of Uncertain Significance.

Genome Diagnostics Laboratory, The Hospital for Sick Children
Classification: Uncertain significance for Autoinflammatory syndrome. Last evaluated: 2020-02-01. Review status: criteria provided, single submitter. Criteria: ACMG Guidelines, 2015. Collection method: clinical testing. Allele origin: germline. Affected: yes.

NM_003978.5(PSTPIP1):c.445del (p.Arg149fs)

Gene: PSTPIP1 (proline-serine-threonine phosphatase interacting protein 1; plus strand). Cytogenetic location: 15q24.3.
Variant type: Deletion.
Coding change: c.445del on transcript NM_003978.5 (MANE Select); coding-DNA position 445, one base deleted (C; older notation c.445delC).
Protein change: p.Arg149fs; shifts the reading frame from arginine 149.
Molecular consequence: frameshift variant. On other transcripts: non-coding transcript variant (1).
Genome position (GRCh38, 1-based): chr15:77,028,581, C deleted; the last of 2 consecutive C bases (chr15:77,028,580-77,028,581); deleting either gives the same sequence. VCF-style (leftmost placement, unchanged base first): chr15-77028579-GC-G. GRCh37 (hg19) VCF-style: chr15-77320920-GC-G.
Other names: c.445del, p.Arg149fs (NM_001321135.2); c.418del, p.Arg140fs (NM_001321136.2); c.640del, p.Arg214fs (NM_001321137.1); short protein forms R140fs, R214fs, R149fs.
Identifiers: ClinVar variation 656981 (VCV000656981.9), dbSNP rs1441606629, ClinGen allele CA619192640.